The following is an entry in ClinVar:

NM_017668.3(NDE1):c.387-178A>G

Gene: NDE1 (nudE neurodevelopment protein 1; plus strand). Cytogenetic location: 16p13.11.
Variant type: single nucleotide variant.
Coding change: c.387-178A>G on transcript NM_017668.3 (MANE Select); 178 bases into the intron before coding-DNA position 387, A replaced by G.
Molecular consequence: intron variant.
Genome position (GRCh38, 1-based): chr16:15,687,197, A>G. VCF-style: chr16-15687197-A-G. GRCh37 (hg19) VCF-style: chr16-15781054-A-G.
Other names: c.387-178A>G (NM_001143979.2).
Identifiers: ClinVar variation 667642 (VCV000667642.2), dbSNP rs8044738, ClinGen allele CA7920604.

ClinVar aggregate classification (germline): Benign. Review status: criteria provided, multiple submitters, no conflicts (2 of 4 stars). 2 submissions from 2 submitters: Benign (2). Last evaluated 2018-06-19.

Allele frequency attached by ClinVar (database versions not stated): gnomAD exomes 0.69109; gnomAD 0.72592 and 0.72895; TOPMed 0.73461; ExAC 0.75310; 1000 Genomes Project 0.75519; 1000 Genomes Project 30x 0.75859.
gnomAD v4.1: 1,001,140 of 1,516,290 alleles (66%); highest among the groups gnomAD compares: African/African-American, 90%; 334,188 homozygotes.

Submissions (2):

GeneDx
Classification: Benign. Last evaluated: 2018-06-19. Review status: criteria provided, single submitter. Criteria: GeneDx Variant Classification (06012015). Collection method: clinical testing. Allele origin: germline. Affected: yes.
Comment: This variant is considered likely benign or benign based on one or more of the following criteria: it is a conservative change, it occurs at a poorly conserved position in the protein, it is predicted to be benign by multiple in silico algorithms, and/or has population frequency not consistent with disease.

Breakthrough Genomics
Classification: Benign. Review status: criteria provided, single submitter. Criteria: ACMG Guidelines, 2015. Collection method: not provided. Allele origin: germline. Inheritance: Autosomal recessive inheritance. Affected: yes.